The following is an entry in ClinVar:

ClinVar aggregate classification (germline): Likely benign (1 of 4 stars; one submission).

Conditions:
Renal hypomagnesemia 4. Also called: HYPOMAGNESEMIA, RENAL, NORMOCALCIURIC. Identifiers: Orphanet 34527, MedGen C2673648, MONDO:0012717, OMIM 611718.

Allele frequency attached by ClinVar (database versions not stated): gnomAD exomes 0.00051; 1000 Genomes Project 0.00080; gnomAD 0.00081; 1000 Genomes Project 30x 0.00094; TOPMed 0.00121.
gnomAD v4.1: 139 of 179,086 alleles (0.078%); highest among the groups gnomAD compares: Middle Eastern, 0.56%; no homozygotes.

Submission:

Illumina Laboratory Services, Illumina
Classification: Likely benign for Renal hypomagnesemia 4. Last evaluated: 2018-01-12. Review status: criteria provided, single submitter. Criteria: ICSL Variant Classification Criteria 13 December 2019. Collection method: clinical testing. Allele origin: germline.
Comment: This variant was observed in the ICSL laboratory as part of a predisposition screen in an ostensibly healthy population. It had not been previously curated by ICSL or reported in the Human Gene Mutation Database (HGMD: prior to June 1st, 2018), and was therefore a candidate for classification through an automated scoring system. Utilizing variant allele frequency, disease prevalence and penetrance estimates, and inheritance mode, an automated score was calculated to assess if this variant is too frequent to cause the disease. Based on the score and internal cut-off values, a variant classified as likely benign is not then subjected to further curation. The score for this variant resulted in a classification of likely benign for this disease.

NM_001963.6(EGF):c.-447G>A

Gene: EGF (epidermal growth factor; plus strand). Cytogenetic location: 4q25.
Variant type: single nucleotide variant.
Coding change: c.-447G>A on transcript NM_001963.6 (MANE Select); 447 bases upstream of the start codon, G replaced by A.
Molecular consequence: 5 prime UTR variant.
Genome position (GRCh38, 1-based): chr4:109,912,889, G>A. VCF-style: chr4-109912889-G-A. GRCh37 (hg19) VCF-style: chr4-110834045-G-A.
Other names: c.-447G>A (NM_001178130.3, NM_001178131.3, NM_001357021.2).
Identifiers: ClinVar variation 347218 (VCV000347218.5), dbSNP rs56399752, ClinGen allele CA10619879.